The following is an entry in ClinVar:

NM_004655.4(AXIN2):c.1448C>A (p.Pro483His)

Gene: AXIN2 (axin 2; minus strand). Cytogenetic location: 17q24.1.
Variant type: single nucleotide variant.
Coding change: c.1448C>A on transcript NM_004655.4 (MANE Select); coding-DNA position 1448, C replaced by A.
Protein change: p.Pro483His; replaces proline 483 with histidine.
Molecular consequence: missense variant.
Genome position (GRCh38, 1-based): chr17:65,537,588, G>T on the plus strand (C>A on the coding strand, the complement: AXIN2 is on the minus strand). VCF-style: chr17-65537588-G-T. GRCh37 (hg19) VCF-style: chr17-63533706-G-T.
Other names: c.1448C>A, p.Pro483His (NM_001363813.1); short protein forms P483H.
Identifiers: ClinVar variation 3224370 (VCV003224370.1), dbSNP rs530465133, ClinGen allele CA400677478.

ClinVar aggregate classification (germline): Uncertain significance (1 of 4 stars; one submission).

Conditions:
Hereditary cancer-predisposing syndrome. Also called: Tumor predisposition; Hereditary neoplastic syndrome; Hereditary Cancer Syndrome; Neoplastic Syndromes, Hereditary. Identifiers: Orphanet 140162, MedGen C0027672, MeSH D009386, MONDO:0015356.

gnomAD v4.1: 1 of 1,606,490 alleles (0.000062%); highest among the groups gnomAD compares: Admixed American, 0.0017%; no homozygotes.

Submission:

Ambry Genetics
Classification: Uncertain significance for Hereditary cancer-predisposing syndrome. Last evaluated: 2024-01-19. Review status: criteria provided, single submitter. Criteria: Ambry Variant Classification Scheme 2023. Collection method: clinical testing. Allele origin: germline.
Comment: The p.P483H variant (also known as c.1448C>A), located in coding exon 5 of the AXIN2 gene, results from a C to A substitution at nucleotide position 1448. The proline at codon 483 is replaced by histidine, an amino acid with similar properties. This amino acid position is conserved. In addition, this alteration is predicted to be tolerated by in silico analysis. Based on the available evidence, the clinical significance of this alteration remains unclear.